The following is an entry in ClinVar:

NM_006345.4(SLC30A9):c.543G>A (p.Trp181Ter)

Gene: SLC30A9 (solute carrier family 30 member 9; plus strand). Cytogenetic location: 4p13.
Variant type: single nucleotide variant.
Coding change: c.543G>A on transcript NM_006345.4 (MANE Select); coding-DNA position 543, G replaced by A.
Protein change: p.Trp181Ter; replaces tryptophan 181 with a stop codon.
Molecular consequence: nonsense.
Genome position (GRCh38, 1-based): chr4:42,023,317, G>A. VCF-style: chr4-42023317-G-A. GRCh37 (hg19) VCF-style: chr4-42025334-G-A.
Other names: short protein forms W181*.
Identifiers: ClinVar variation 1723220 (VCV001723220.2), dbSNP rs1412346108, ClinGen allele CA356751048.

ClinVar aggregate classification (germline): Likely pathogenic (1 of 4 stars; one submission).

Conditions:
Psychomotor regression-oculomotor apraxia-movement disorder-nephropathy syndrome (BILAPES). Also called: Birk-Landau-Perez syndrome. Identifiers: Orphanet 505242, MedGen C4539828, MONDO:0044726, OMIM 617595.

Allele frequency attached by ClinVar (database versions not stated): gnomAD exomes below 0.00001.
gnomAD v4.1: 1 of 1,613,372 alleles (0.000062%); highest among the groups gnomAD compares: Non-Finnish European, 0.000085%; no homozygotes.

Submission:

Dasa
Classification: Likely pathogenic for Psychomotor regression-oculomotor apraxia-movement disorder-nephropathy syndrome. Last evaluated: 2022-11-03. Review status: criteria provided, single submitter. Criteria: ACMG Guidelines, 2015. Collection method: clinical testing. Allele origin: germline. Affected: no. Observed: 1 variant allele.
Comment: The c.543G>A;p.(Trp181*) variant creates a premature translational stop signal in the SLC30A9 gene. It is expected to result in an absent or disrupted protein product - PVS1.This variant is not present in population databases (rs1412346108, gnomAD; ABraOM no frequency) - PM2. In summary, the currently available evidence indicates that the variant is likely pathogenic.